The following is an entry in ClinVar:

ClinVar aggregate classification (germline): Likely pathogenic (1 of 4 stars; one submission).

Submission:

Ambry Genetics
Classification: Likely pathogenic. Last evaluated: 2017-07-01. Review status: criteria provided, single submitter. Criteria: Ambry Variant Classification Scheme 2023. Collection method: clinical testing. Allele origin: germline.
Comment: The p.G195E variant (also known as c.584G>A), located in coding exon 5 of the GBA gene, results from a G to A substitution at nucleotide position 584. The glycine at codon 195 is replaced by glutamic acid, an amino acid with similar properties. This variant has been detected in multiple individuals with Gaucher disease types 1 or 2 (Grace ME et al. J. Clin. Invest., 1997 May;99:2530-7; Cormand B et al. Hum. Mutat., 1998;11:295-305). In addition, a different variant at the same codon, p.G195W, has been described in two unrelated patients affected with Gaucher disease (Sarria AJ et al. Hum Mutat. 1999;14(1):88). In an in vitro study, the G195E mutant protein had reduced enzymatic activity and altered binding affinity for active site-directed inhibitors (Grace ME et al. J. Clin. Invest., 1997 May;99:2530-7). Based on the majority of available evidence to date, this variant is likely to be pathogenic.

Literature cited by the submitters: PubMed 9153297; PubMed 9554746.

NM_000157.4(GBA1):c.845G>A (p.Gly282Glu)

Genes: GBA1 (glucosylceramidase beta 1; minus strand), LOC106627981 (GBA recombination region; plus strand). Cytogenetic location: 1q22.
Variant type: single nucleotide variant.
Coding change: c.845G>A on transcript NM_000157.4 (MANE Select); coding-DNA position 845, G replaced by A.
Protein change: p.Gly282Glu; replaces glycine 282 with glutamic acid.
Molecular consequence: missense variant.
Genome position (GRCh38, 1-based): chr1:155,237,495, C>T on the plus strand (G>A on the coding strand, the complement: GBA1 is on the minus strand). VCF-style: chr1-155237495-C-T. GRCh37 (hg19) VCF-style: chr1-155207286-C-T.
Other names: c.845G>A, p.Gly282Glu (NM_001005741.3, NM_001005742.3); c.584G>A, p.Gly195Glu (NM_001171811.2); c.698G>A, p.Gly233Glu (NM_001171812.2); short protein forms G195E, G233E, G282E.
Identifiers: ClinVar variation 1800198 (VCV001800198.2), dbSNP rs2524831565, ClinGen allele CA342720095.